The following is an entry in ClinVar:

NM_012210.4(TRIM32):c.201T>C (p.Ile67=)

Genes: ASTN2 (astrotactin 2; minus strand), TRIM32 (tripartite motif containing 32; plus strand). Cytogenetic location: 9q33.1.
Variant type: single nucleotide variant.
Coding change: c.201T>C on transcript NM_012210.4 (MANE Select); coding-DNA position 201, T replaced by C.
Protein change: p.Ile67=; no amino-acid change (isoleucine 67 retained).
Molecular consequence: synonymous variant. On other transcripts: intron variant (3).
Genome position (GRCh38, 1-based): chr9:116,697,943, T>C. VCF-style: chr9-116697943-T-C. GRCh37 (hg19) VCF-style: chr9-119460222-T-C.
Other names: c.201T>C, p.Ile67= (NM_001099679.2, NM_001379048.1, NM_001379049.1 and 1 more transcripts); c.2653+27828A>G (NM_014010.5); c.2794+27828A>G (NM_001365069.1); c.2806+27828A>G (NM_001365068.1).
Identifiers: ClinVar variation 282441 (VCV000282441.20), dbSNP rs780799984, ClinGen allele CA5210919.

ClinVar aggregate classification (germline): Conflicting classifications of pathogenicity. Review status: criteria provided, conflicting classifications (1 of 4 stars). 5 submissions from 5 submitters: Uncertain significance (1); Benign (1); Likely benign (2). 1 of the submissions does not count toward it. Last evaluated 2026-01-19.

Conditions:
TRIM32-related disorder. Also called: TRIM32-related condition.
Bardet-Biedl syndrome (BBS). Identifiers: Orphanet 110, MedGen C0752166, MONDO:0015229.

Allele frequency attached by ClinVar (database versions not stated): TOPMed 0.00003; gnomAD 0.00004 and 0.00006; gnomAD exomes 0.00009 and 0.00012; ExAC 0.00012.
gnomAD v4.1: 135 of 1,614,188 alleles (0.0084%); highest among the groups gnomAD compares: South Asian, 0.089%; 1 homozygote.

Submissions (5):

Labcorp Genetics (formerly Invitae), Labcorp
Classification: Likely benign for Bardet-Biedl syndrome. Last evaluated: 2026-01-19. Review status: criteria provided, single submitter. Criteria: Invitae Variant Classification Sherloc (09022015). Collection method: clinical testing. Allele origin: germline.

Blueprint Genetics
Classification: Benign. Last evaluated: 2024-06-14. Review status: criteria provided, single submitter. Criteria: ACMG Guidelines, 2015. Collection method: clinical testing. Allele origin: germline.

Eurofins Ntd Llc (ga)
Classification: Uncertain significance. Last evaluated: 2018-06-15. Review status: criteria provided, single submitter. Criteria: EGL ClinVar v180209 classification definitions. Collection method: clinical testing. Allele origin: germline. Observed: 2 variant alleles, 2 heterozygotes.

GeneDx
Classification: Likely benign. Last evaluated: 2018-05-24. Review status: criteria provided, single submitter. Criteria: GeneDx Variant Classification (06012015). Collection method: clinical testing. Allele origin: germline. Affected: yes.
Comment: This variant is considered likely benign or benign based on one or more of the following criteria: it is a conservative change, it occurs at a poorly conserved position in the protein, it is predicted to be benign by multiple in silico algorithms, and/or has population frequency not consistent with disease.

PreventionGenetics, part of Exact Sciences
Classification: Likely benign for TRIM32-related condition. Last evaluated: 2021-02-17. Review status: no assertion criteria provided. Collection method: clinical testing. Allele origin: germline. Not counted in ClinVar's aggregate classification.
Comment: This variant is classified as likely benign based on ACMG/AMP sequence variant interpretation guidelines (Richards et al. 2015 PMID: 25741868, with internal and published modifications).